The following is an entry in ClinVar:

NM_001384474.1(LOXHD1):c.2175C>T (p.Asn725=)

Gene: LOXHD1 (lipoxygenase homology PLAT domains 1; minus strand). Cytogenetic location: 18q21.1.
Variant type: single nucleotide variant.
Coding change: c.2175C>T on transcript NM_001384474.1 (MANE Select); coding-DNA position 2175, C replaced by T.
Protein change: p.Asn725=; no amino-acid change (asparagine 725 retained).
Molecular consequence: synonymous variant.
Genome position (GRCh38, 1-based): chr18:46,569,511, G>A on the plus strand (C>T on the coding strand, the complement: LOXHD1 is on the minus strand). VCF-style: chr18-46569511-G-A. GRCh37 (hg19) VCF-style: chr18-44149474-G-A.
Other names: p.Asn725=; c.2175C>T, p.Asn725= (NM_144612.7).
Identifiers: ClinVar variation 47926 (VCV000047926.25), dbSNP rs2086005, ClinGen allele CA142200.
Genomic context (GRCh38, chr18:46,569,511, plus strand): 5'-GTTCAGGGTCTCGAGGGTGAACTCATCCACCCGGCCACGTTCAAAGTAGTCTTTGAGGTT[G>A]TTGTCAGAGACAAGAAGAACTTGCTTGATGGTGTCAGATTTATCCCCATAGAGCTTGATG-3'
Protein context (NP_001371403.1, residues 715-735): TIKQVLLVSD[Asn725=]NLKDYFERGR

ClinVar aggregate classification (germline): Benign/Likely benign. Review status: criteria provided, multiple submitters, no conflicts (2 of 4 stars). 10 submissions from 10 submitters: Benign (7); Likely benign (2). 1 of the submissions does not count toward it. Last evaluated 2026-06-26.

Conditions:
Autosomal recessive nonsyndromic hearing loss 77. Identifiers: Orphanet 90636, MedGen C2746083, MONDO:0013119, OMIM 613079.

Allele frequency attached by ClinVar (database versions not stated): 1000 Genomes Project 30x 0.06262; ExAC 0.08859; gnomAD exomes 0.09418 and 0.12725; ESP Exome Variant Server 0.11805; gnomAD 0.09034 and 0.09206; TOPMed 0.09363; 1000 Genomes Project 0.06170.
gnomAD v4.1: 191,291 of 1,551,864 alleles (12%); highest among the groups gnomAD compares: Non-Finnish European, 14%; 13,200 homozygotes.

Submissions (10):

Women's Health and Genetics/Laboratory Corporation of America, LabCorp
Classification: Benign. Last evaluated: 2026-06-26. Review status: criteria provided, single submitter. Criteria: LabCorp Variant Classification Summary - May 2015. Collection method: clinical testing. Allele origin: germline.

Labcorp Genetics (formerly Invitae), Labcorp
Classification: Benign. Last evaluated: 2026-02-04. Review status: criteria provided, single submitter. Criteria: Invitae Variant Classification Sherloc (09022015). Collection method: clinical testing. Allele origin: germline.

Genome-Nilou Lab
Classification: Benign for Autosomal recessive nonsyndromic hearing loss 77. Last evaluated: 2021-07-10. Review status: criteria provided, single submitter. Criteria: ACMG Guidelines, 2015. Collection method: clinical testing. Allele origin: germline. Affected: no.

Mayo Clinic Laboratories, Mayo Clinic
Classification: Benign. Last evaluated: 2020-10-20. Review status: criteria provided, single submitter. Criteria: ACMG Guidelines, 2015. Collection method: clinical testing. Allele origin: germline. Observed: 34 variant alleles.

Illumina Laboratory Services, Illumina
Classification: Likely benign for Autosomal recessive nonsyndromic hearing loss 77. Last evaluated: 2018-01-12. Review status: criteria provided, single submitter. Criteria: ICSL Variant Classification Criteria 13 December 2019. Collection method: clinical testing. Allele origin: germline.
Comment: This variant was observed in the ICSL laboratory as part of a predisposition screen in an ostensibly healthy population. It had not been previously curated by ICSL or reported in the Human Gene Mutation Database (HGMD: prior to June 1st, 2018), and was therefore a candidate for classification through an automated scoring system. Utilizing variant allele frequency, disease prevalence and penetrance estimates, and inheritance mode, an automated score was calculated to assess if this variant is too frequent to cause the disease. Based on the score and internal cut-off values, a variant classified as likely benign is not then subjected to further curation. The score for this variant resulted in a classification of likely benign for this disease.

GeneDx
Classification: Benign. Last evaluated: 2017-05-09. Review status: criteria provided, single submitter. Criteria: GeneDx Variant Classification (06012015). Collection method: clinical testing. Allele origin: germline. Affected: yes.
Comment: This variant is considered likely benign or benign based on one or more of the following criteria: it is a conservative change, it occurs at a poorly conserved position in the protein, it is predicted to be benign by multiple in silico algorithms, and/or has population frequency not consistent with disease.

Laboratory for Molecular Medicine, Mass General Brigham Personalized Medicine
Classification: Benign. Last evaluated: 2012-05-07. Review status: criteria provided, single submitter. Criteria: LMM Criteria. Collection method: clinical testing. Allele origin: germline. Observed: 368 variant alleles.
Comment: "Asn725Asn in Exon 16 of LOXHD1: This variant is not expected to have clinical s ignificance because it does not alter an amino acid residue, is not located with in the splice consensus sequence, and has been identified in 16.2% (411/2532) of European American chromosomes from a broad population by the NHLBI Exome Sequen cing Project (dbSNP rs2086005)."

Breakthrough Genomics
Classification: Likely benign. Review status: criteria provided, single submitter. Criteria: ACMG Guidelines, 2015. Collection method: not provided. Allele origin: germline. Inheritance: Autosomal recessive inheritance. Affected: yes.

PreventionGenetics, part of Exact Sciences
Classification: Benign. Review status: criteria provided, single submitter. Criteria: ACMG Guidelines, 2015. Collection method: clinical testing. Allele origin: germline.

Natera, Inc.
Classification: Benign for Autosomal recessive deafness type 77. Last evaluated: 2020-09-16. Review status: no assertion criteria provided. Collection method: clinical testing. Allele origin: germline. Not counted in ClinVar's aggregate classification.